The following is an entry in ClinVar:

NM_001377.3(DYNC2H1):c.12890A>G (p.Gln4297Arg)

Gene: DYNC2H1 (dynein cytoplasmic 2 heavy chain 1; plus strand). Cytogenetic location: 11q22.3.
Variant type: single nucleotide variant.
Coding change: c.12890A>G on transcript NM_001377.3 (MANE Select); coding-DNA position 12890, A replaced by G.
Protein change: p.Gln4297Arg; replaces glutamine 4297 with arginine.
Molecular consequence: missense variant.
Genome position (GRCh38, 1-based): chr11:103,479,219, A>G. VCF-style: chr11-103479219-A-G. GRCh37 (hg19) VCF-style: chr11-103349947-A-G.
Other names: c.12911A>G (NM_001080463.1); c.12911A>G, p.Gln4304Arg (NM_001080463.2); short protein forms Q4297R, Q4304R.
Identifiers: ClinVar variation 1411878 (VCV001411878.4), dbSNP rs558920296, ClinGen allele CA6255708.

ClinVar aggregate classification (germline): Uncertain significance. Review status: criteria provided, multiple submitters, no conflicts (2 of 4 stars). 2 submissions from 2 submitters: Uncertain significance (2). Last evaluated 2023-05-04.

Conditions:
Jeune thoracic dystrophy. Also called: Short-rib thoracic dysplasia; Infantile thoracic dystrophy; Thoracic pelvic phalangeal dystrophy; Jeune's syndrome; Chondroectodermal dysplasia-like syndrome; Jeune syndrome. Identifiers: Orphanet 474, MedGen C0265275, MONDO:0018770.
Inborn genetic diseases. Identifiers: MedGen C0950123, MeSH D030342.

Allele frequency attached by ClinVar (database versions not stated): TOPMed 0.00002; gnomAD 0.00003; gnomAD exomes 0.00003; ExAC 0.00005.
gnomAD v4.1: 40 of 1,613,678 alleles (0.0025%); highest among the groups gnomAD compares: Non-Finnish European, 0.0031%; no homozygotes.

Submissions (2):

Ambry Genetics
Classification: Uncertain significance for Inborn genetic diseases. Last evaluated: 2023-05-04. Review status: criteria provided, single submitter. Criteria: Ambry Variant Classification Scheme 2023. Collection method: clinical testing. Allele origin: germline.

Labcorp Genetics (formerly Invitae), Labcorp
Classification: Uncertain significance for Jeune thoracic dystrophy. Last evaluated: 2022-06-05. Review status: criteria provided, single submitter. Criteria: Invitae Variant Classification Sherloc (09022015). Collection method: clinical testing. Allele origin: germline.
Comment: This sequence change replaces glutamine, which is neutral and polar, with arginine, which is basic and polar, at codon 4304 of the DYNC2H1 protein (p.Gln4304Arg). This variant is present in population databases (rs558920296, gnomAD 0.006%). This variant has not been reported in the literature in individuals affected with DYNC2H1-related conditions. ClinVar contains an entry for this variant (Variation ID: 1411878). Advanced modeling of protein sequence and biophysical properties (such as structural, functional, and spatial information, amino acid conservation, physicochemical variation, residue mobility, and thermodynamic stability) performed at Invitae indicates that this missense variant is not expected to disrupt DYNC2H1 protein function. In summary, the available evidence is currently insufficient to determine the role of this variant in disease. Therefore, it has been classified as a Variant of Uncertain Significance.